The following is an entry in ClinVar:

ClinVar aggregate classification (germline): Likely pathogenic (1 of 4 stars; one submission).

gnomAD v4.1: 1 of 1,597,732 alleles (0.000063%); highest among the groups gnomAD compares: Non-Finnish European, 0.000085%; no homozygotes.

Submission:

GeneDx
Classification: Likely pathogenic. Last evaluated: 2026-04-18. Review status: criteria provided, single submitter. Criteria: GeneDx Variant Classification Process June 2021. Collection method: clinical testing. Allele origin: germline.
Comment: Canonical splice site variant predicted to result in a null allele in a gene for which loss of function is a known mechanism of disease; Not observed at significant frequency in large population cohorts (gnomAD); Has not been previously published as pathogenic or benign to our knowledge

NM_182931.3(KMT2E):c.1130+1G>T

Gene: KMT2E (lysine methyltransferase 2E (inactive); plus strand). Cytogenetic location: 7q22.3.
Variant type: single nucleotide variant.
Coding change: c.1130+1G>T on transcript NM_182931.3 (MANE Select); the canonical splice donor site of the intron after coding-DNA position 1130, G replaced by T.
Molecular consequence: splice donor variant.
Genome position (GRCh38, 1-based): chr7:105,077,434, G>T. VCF-style: chr7-105077434-G-T. GRCh37 (hg19) VCF-style: chr7-104717881-G-T.
Other names: c.1130+1G>T (NM_001410908.1, NM_018682.4).
Identifiers: ClinVar variation 5036905 (VCV005036905.1).